The following is an entry in ClinVar:

NM_005883.3(APC2):c.3347C>T (p.Ala1116Val)

Gene: APC2 (APC regulator of Wnt signaling pathway 2; plus strand). Cytogenetic location: 19p13.3.
Variant type: single nucleotide variant.
Coding change: c.3347C>T on transcript NM_005883.3 (MANE Select); coding-DNA position 3347, C replaced by T.
Protein change: p.Ala1116Val; replaces alanine 1116 with valine.
Molecular consequence: missense variant.
Genome position (GRCh38, 1-based): chr19:1,466,648, C>T. VCF-style: chr19-1466648-C-T. GRCh37 (hg19) VCF-style: chr19-1466647-C-T.
Other names: c.3347C>T (NM_005883.2); c.3344C>T, p.Ala1115Val (NM_001351273.1); short protein forms A1116V, A1115V.
Identifiers: ClinVar variation 2172177 (VCV002172177.4), dbSNP rs1028241897, ClinGen allele CA304077108.

ClinVar aggregate classification (germline): Uncertain significance. Review status: criteria provided, multiple submitters, no conflicts (2 of 4 stars). 2 submissions from 2 submitters: Uncertain significance (2). Last evaluated 2024-07-29.

Conditions:
Inborn genetic diseases. Identifiers: MedGen C0950123, MeSH D030342.

Allele frequency attached by ClinVar (database versions not stated): gnomAD 0.00015; TOPMed 0.00037.
gnomAD v4.1: 34 of 1,493,612 alleles (0.0023%); highest among the groups gnomAD compares: Admixed American, 0.055%; no homozygotes.

Submissions (2):

Labcorp Genetics (formerly Invitae), Labcorp
Classification: Uncertain significance. Last evaluated: 2024-07-29. Review status: criteria provided, single submitter. Criteria: Invitae Variant Classification Sherloc (09022015). Collection method: clinical testing. Allele origin: germline.
Comment: This sequence change replaces alanine, which is neutral and non-polar, with valine, which is neutral and non-polar, at codon 1116 of the APC2 protein (p.Ala1116Val). This variant is present in population databases (no rsID available, gnomAD 0.005%). This variant has not been reported in the literature in individuals affected with APC2-related conditions. ClinVar contains an entry for this variant (Variation ID: 2172177). An algorithm developed to predict the effect of missense changes on protein structure and function outputs the following: PolyPhen-2: "Benign". The valine amino acid residue is found in multiple mammalian species, which suggests that this missense change does not adversely affect protein function. In summary, the available evidence is currently insufficient to determine the role of this variant in disease. Therefore, it has been classified as a Variant of Uncertain Significance.

Ambry Genetics
Classification: Uncertain significance for Inborn genetic diseases. Last evaluated: 2024-01-23. Review status: criteria provided, single submitter. Criteria: Ambry Variant Classification Scheme 2023. Collection method: clinical testing. Allele origin: germline.